The following is an entry in ClinVar:

NM_012452.3(TNFRSF13B):c.95_96dup (p.Ser33fs)

Gene: TNFRSF13B (TNF receptor superfamily member 13B; minus strand). Cytogenetic location: 17p11.2.
Variant type: Microsatellite.
Coding change: c.95_96dup on transcript NM_012452.3 (MANE Select); coding-DNA positions 95 to 96, 2 bases duplicated (GA; older notation c.95_96dupGA).
Protein change: p.Ser33fs; shifts the reading frame from serine 33.
Molecular consequence: frameshift variant.
Genome position (GRCh38, 1-based): chr17:16,952,549-16,952,550, TC duplicated on the plus strand (GA on the coding strand, the reverse complement: TNFRSF13B is on the minus strand); duplicating any 2 consecutive bases within chr17:16,952,549-16,952,552 gives the same sequence; the c. name uses the placement nearest the transcript's 3' end. VCF-style (leftmost placement, unchanged base first): chr17-16952548-A-ATC. GRCh37 (hg19) VCF-style: chr17-16855862-A-ATC.
Other names: c.95_96dupGA (NM_012452.2); short protein forms S33fs.
Identifiers: ClinVar variation 647108 (VCV000647108.6), dbSNP rs1303637368, ClinGen allele CA726579034.

ClinVar aggregate classification (germline): Pathogenic/Likely pathogenic. Review status: criteria provided, multiple submitters, no conflicts (2 of 4 stars). 2 submissions from 2 submitters: Pathogenic (1); Likely pathogenic (1). Last evaluated 2023-09-05.

Conditions:
Immunodeficiency, common variable, 2 (CVID2). Also called: ANTIBODY DEFICIENCY DUE TO TACI DEFECT; HYPOGAMMAGLOBULINEMIA DUE TO TACI DEFICIENCY. Identifiers: Orphanet 1572, MedGen C3150354, MONDO:0009413, OMIM 240500.
TNFRSF13B-related disorder. Also called: TNFRSF13B-related condition.

Submissions (2):

Blueprint Genetics
Classification: Likely pathogenic for TNFRSF13B-related disorders. Last evaluated: 2023-09-05. Review status: criteria provided, single submitter. Criteria: ACMG Guidelines, 2015. Collection method: clinical testing. Allele origin: germline. Affected: yes. Observed: 1 variant allele.

Labcorp Genetics (formerly Invitae), Labcorp
Classification: Pathogenic for Immunodeficiency, common variable, 2. Last evaluated: 2022-03-18. Review status: criteria provided, single submitter. Criteria: Invitae Variant Classification Sherloc (09022015). Collection method: clinical testing. Allele origin: germline.
Comment: For these reasons, this variant has been classified as Pathogenic. ClinVar contains an entry for this variant (Variation ID: 647108). This variant has not been reported in the literature in individuals affected with TNFRSF13B-related conditions. This variant is not present in population databases (gnomAD no frequency). This sequence change creates a premature translational stop signal (p.Ser33Aspfs*52) in the TNFRSF13B gene. It is expected to result in an absent or disrupted protein product. Loss-of-function variants in TNFRSF13B are known to be pathogenic (PMID: 16007087, 27123465).

Literature cited by the submitters: PubMed 16007087 (cited by Labcorp Genetics (formerly Invitae), Labcorp); PubMed 27123465 (cited by Labcorp Genetics (formerly Invitae), Labcorp).